The following is an entry in ClinVar:

NM_020778.5(ALPK3):c.1840G>A (p.Gly614Arg)

Gene: ALPK3 (alpha kinase 3; plus strand). Cytogenetic location: 15q25.3.
Variant type: single nucleotide variant.
Coding change: c.1840G>A on transcript NM_020778.5 (MANE Select); coding-DNA position 1840, G replaced by A.
Protein change: p.Gly614Arg; replaces glycine 614 with arginine.
Molecular consequence: missense variant.
Genome position (GRCh38, 1-based): chr15:84,856,578, G>A. VCF-style: chr15-84856578-G-A. GRCh37 (hg19) VCF-style: chr15-85399809-G-A.
Other names: short protein forms G614R.
Identifiers: ClinVar variation 1722184 (VCV001722184.5), dbSNP rs2505719072, ClinGen allele CA393354941.

ClinVar aggregate classification (germline): Uncertain significance (1 of 4 stars; one submission).

Submission:

Labcorp Genetics (formerly Invitae), Labcorp
Classification: Uncertain significance. Last evaluated: 2022-10-26. Review status: criteria provided, single submitter. Criteria: Invitae Variant Classification Sherloc (09022015). Collection method: clinical testing. Allele origin: germline.
Comment: This sequence change replaces glycine, which is neutral and non-polar, with arginine, which is basic and polar, at codon 816 of the ALPK3 protein (p.Gly816Arg). In summary, the available evidence is currently insufficient to determine the role of this variant in disease. Therefore, it has been classified as a Variant of Uncertain Significance. Advanced modeling of protein sequence and biophysical properties (such as structural, functional, and spatial information, amino acid conservation, physicochemical variation, residue mobility, and thermodynamic stability) performed at Invitae indicates that this missense variant is not expected to disrupt ALPK3 protein function. This variant has not been reported in the literature in individuals affected with ALPK3-related conditions. This variant is not present in population databases (gnomAD no frequency).